The following is an entry in ClinVar:

ClinVar aggregate classification (germline): Uncertain significance (1 of 4 stars; one submission).

gnomAD v4.1: 3 of 1,614,232 alleles (0.00019%); highest among the groups gnomAD compares: African/African-American, 0.0013%; no homozygotes.

Submission:

GeneDx
Classification: Uncertain significance. Last evaluated: 2025-03-11. Review status: criteria provided, single submitter. Criteria: GeneDx Variant Classification Process June 2021. Collection method: clinical testing. Allele origin: germline. Affected: yes.
Comment: Not observed at significant frequency in large population cohorts (gnomAD); In silico analysis indicates that this missense variant does not alter protein structure/function; Has not been previously published as pathogenic or benign to our knowledge; Also known as S1705G

NM_000384.3(APOB):c.5194A>G (p.Ser1732Gly)

Gene: APOB (apolipoprotein B; minus strand). Cytogenetic location: 2p24.1.
Variant type: single nucleotide variant.
Coding change: c.5194A>G on transcript NM_000384.3 (MANE Select); coding-DNA position 5194, A replaced by G.
Protein change: p.Ser1732Gly; replaces serine 1732 with glycine.
Molecular consequence: missense variant.
Genome position (GRCh38, 1-based): chr2:21,011,674, T>C on the plus strand (A>G on the coding strand, the complement: APOB is on the minus strand). VCF-style: chr2-21011674-T-C. GRCh37 (hg19) VCF-style: chr2-21234546-T-C.
Other names: short protein forms S1732G.
Identifiers: ClinVar variation 4083292 (VCV004083292.1).